The following is an entry in ClinVar:

NM_014425.5(INVS):c.2667G>A (p.Val889=)

Gene: INVS (inversin; plus strand). Cytogenetic location: 9q31.1.
Variant type: single nucleotide variant.
Coding change: c.2667G>A on transcript NM_014425.5 (MANE Select); coding-DNA position 2667, G replaced by A.
Protein change: p.Val889=; no amino-acid change (valine 889 retained).
Molecular consequence: synonymous variant. On other transcripts: non-coding transcript variant (1).
Genome position (GRCh38, 1-based): chr9:100,292,924, G>A. VCF-style: chr9-100292924-G-A. GRCh37 (hg19) VCF-style: chr9-103055206-G-A.
Other names: c.2379G>A, p.Val793= (NM_001318381.2); c.1689G>A, p.Val563= (NM_001318382.2).
Identifiers: ClinVar variation 3347729 (VCV003347729.1).

ClinVar aggregate classification (germline): Likely benign (0 of 4 stars; one submission).

Conditions:
INVS-related disorder. Also called: INVS-related condition.

Submission:

PreventionGenetics, part of Exact Sciences
Classification: Likely benign for INVS-related condition. Last evaluated: 2024-09-09. Review status: no assertion criteria provided. Collection method: clinical testing. Allele origin: germline.
Comment: This variant is classified as likely benign based on ACMG/AMP sequence variant interpretation guidelines (Richards et al. 2015 PMID: 25741868, with internal and published modifications).